The following is an entry in ClinVar:

NM_000138.5(FBN1):c.6953G>T (p.Cys2318Phe)

Gene: FBN1 (fibrillin 1; minus strand). Cytogenetic location: 15q21.1.
Variant type: single nucleotide variant.
Coding change: c.6953G>T on transcript NM_000138.5 (MANE Select); coding-DNA position 6953, G replaced by T.
Protein change: p.Cys2318Phe; replaces cysteine 2318 with phenylalanine.
Molecular consequence: missense variant.
Genome position (GRCh38, 1-based): chr15:48,428,390, C>A on the plus strand (G>T on the coding strand, the complement: FBN1 is on the minus strand). VCF-style: chr15-48428390-C-A. GRCh37 (hg19) VCF-style: chr15-48720587-C-A.
Other names: c.6953G>T, p.Cys2318Phe (NM_001406716.1); short protein forms C2318F.
Identifiers: ClinVar variation 3750490 (VCV003750490.3).

ClinVar aggregate classification (germline): Pathogenic/Likely pathogenic. Review status: criteria provided, multiple submitters, no conflicts (2 of 4 stars). 2 submissions from 2 submitters: Pathogenic (1); Likely pathogenic (1). Last evaluated 2024-07-23.

Conditions:
FBN1-related disorder. Also called: FBN1-related disorders.
Marfan syndrome (MFS). Also called: MARFAN SYNDROME, TYPE I; Marfan syndrome type 1; Marfan's syndrome; Marfan syndrome, classic; FBN1-Related Marfan Syndrome. Identifiers: Orphanet 284963, Orphanet 558, MedGen C0024796, MONDO:0007947, OMIM 154700.
Familial thoracic aortic aneurysm and aortic dissection (TAAD). Also called: Thoracic aortic aneurysms and dissections. Identifiers: Orphanet 91387, MedGen C4707243, MONDO:0019625.

Submissions (2):

Labcorp Genetics (formerly Invitae), Labcorp
Classification: Pathogenic for Marfan syndrome; Familial thoracic aortic aneurysm and aortic dissection. Last evaluated: 2024-07-23. Review status: criteria provided, single submitter. Criteria: Invitae Variant Classification Sherloc (09022015). Collection method: clinical testing. Allele origin: germline.
Comment: This sequence change replaces cysteine, which is neutral and slightly polar, with phenylalanine, which is neutral and non-polar, at codon 2318 of the FBN1 protein (p.Cys2318Phe). This variant is not present in population databases (gnomAD no frequency). This missense change has been observed in individual(s) with clinical features of aortic aneurysm (Invitae). Advanced modeling of protein sequence and biophysical properties (such as structural, functional, and spatial information, amino acid conservation, physicochemical variation, residue mobility, and thermodynamic stability) performed at Invitae indicates that this missense variant is expected to disrupt FBN1 protein function with a positive predictive value of 95%. This variant affects a cysteine residue in the EGF-like, TGFBP or hybrid motif domains of FBN1. Cysteine residues are believed to be involved in intramolecular disulfide bridges and have been shown to be important for FBN1 protein structure (PMID: 16905551, 19349279). In addition, missense substitutions affecting cysteine residues within these domains are significantly overrepresented among patients with Marfan syndrome (PMID: 16571647, 17701892). This variant disrupts the p.Cys2318 amino acid residue in FBN1. Other variant(s) that disrupt this residue have been observed in individuals with FBN1-related conditions (PMID: 19293843, 21542060; Invitae), which suggests that this may be a clinically significant amino acid residue. For these reasons, this variant has been classified as Pathogenic.

Blueprint Genetics
Classification: Likely pathogenic for FBN1-related disorders. Last evaluated: 2021-11-19. Review status: criteria provided, single submitter. Criteria: ACMG Guidelines, 2015. Collection method: clinical testing. Allele origin: germline. Affected: yes. Observed: 1 variant allele.

Literature cited by the submitters: PubMed 16905551 (cited by Labcorp Genetics (formerly Invitae), Labcorp); PubMed 19349279 (cited by Labcorp Genetics (formerly Invitae), Labcorp); PubMed 16571647 (cited by Labcorp Genetics (formerly Invitae), Labcorp); PubMed 17701892 (cited by Labcorp Genetics (formerly Invitae), Labcorp); PubMed 19293843 (cited by Labcorp Genetics (formerly Invitae), Labcorp); PubMed 21542060 (cited by Labcorp Genetics (formerly Invitae), Labcorp).